The following is an entry in ClinVar:

ClinVar aggregate classification (germline): Conflicting classifications of pathogenicity. Review status: criteria provided, conflicting classifications (1 of 4 stars). 3 submissions from 3 submitters: Uncertain significance (2); Likely benign (1). Last evaluated 2025-10-29.

Conditions:
Congenital contractural arachnodactyly (CCA). Also called: Beals-Hecht syndrome; BEALS SYNDROME; Arthrogryposis, distal, type 9. Identifiers: Orphanet 115, MedGen C0220668, MONDO:0007363, OMIM 121050.

Allele frequency attached by ClinVar (database versions not stated): gnomAD exomes 0.00001 and below 0.00001; TOPMed 0.00001.
gnomAD v4.1: 12 of 1,614,114 alleles (0.00074%); highest among the groups gnomAD compares: Non-Finnish European, 0.00093%; no homozygotes.

Submissions (3):

Labcorp Genetics (formerly Invitae), Labcorp
Classification: Likely benign for Congenital contractural arachnodactyly. Last evaluated: 2025-10-29. Review status: criteria provided, single submitter. Criteria: Invitae Variant Classification Sherloc (09022015). Collection method: clinical testing. Allele origin: germline.

GeneDx
Classification: Uncertain significance. Last evaluated: 2025-09-03. Review status: criteria provided, single submitter. Criteria: GeneDx Variant Classification Process June 2021. Collection method: clinical testing. Allele origin: germline. Affected: yes.
Comment: Has not been previously published as pathogenic or benign to our knowledge; In silico analysis suggests that this missense variant does not alter protein structure/function; Not observed at significant frequency in large population cohorts (gnomAD); Although located in a calcium-binding EGF-like domain of the FBN2 gene, it does not substitute or introduce a cysteine residue (PMID: 19006240, 18767143); This variant is associated with the following publications: (PMID: 19006240, 18767143)

Revvity Omics, Revvity
Classification: Uncertain significance. Last evaluated: 2021-03-26. Review status: criteria provided, single submitter. Criteria: ACMG Guidelines, 2015. Collection method: clinical testing. Allele origin: germline.

NM_001999.4(FBN2):c.6719A>G (p.Asn2240Ser)

Gene: FBN2 (fibrillin 2; minus strand). Cytogenetic location: 5q23.3.
Variant type: single nucleotide variant.
Coding change: c.6719A>G on transcript NM_001999.4 (MANE Select); coding-DNA position 6719, A replaced by G.
Protein change: p.Asn2240Ser; replaces asparagine 2240 with serine.
Molecular consequence: missense variant.
Genome position (GRCh38, 1-based): chr5:128,288,476, T>C on the plus strand (A>G on the coding strand, the complement: FBN2 is on the minus strand). VCF-style: chr5-128288476-T-C. GRCh37 (hg19) VCF-style: chr5-127624168-T-C.
Other names: short protein forms N2240S.
Identifiers: ClinVar variation 213421 (VCV000213421.14), dbSNP rs863223612, ClinGen allele CA324120.